The following is an entry in ClinVar:

ClinVar aggregate classification (germline): Likely benign. Review status: criteria provided, multiple submitters, no conflicts (2 of 4 stars). 5 submissions from 5 submitters: Likely benign (4). 1 of the submissions does not count toward it. Last evaluated 2025-12-30.

Conditions:
Kabuki syndrome. Also called: NIIKAWA-KUROKI SYNDROME; Kabuki make-up syndrome. Identifiers: Orphanet 2322, MedGen C0796004, MONDO:0016512.
KMT2D-related disorder. Also called: KMT2D-Related Disorders.

Allele frequency attached by ClinVar (database versions not stated): gnomAD exomes 0.00002 and 0.00004; gnomAD 0.00003; ExAC 0.00004; TOPMed 0.00009.
gnomAD v4.1: 41 of 1,613,822 alleles (0.0025%); highest among the groups gnomAD compares: Admixed American, 0.013%; no homozygotes.

Submissions (5):

Labcorp Genetics (formerly Invitae), Labcorp
Classification: Likely benign for Kabuki syndrome. Last evaluated: 2025-12-30. Review status: criteria provided, single submitter. Criteria: Invitae Variant Classification Sherloc (09022015). Collection method: clinical testing. Allele origin: germline.

Women's Health and Genetics/Laboratory Corporation of America, LabCorp
Classification: Likely benign. Last evaluated: 2025-02-24. Review status: criteria provided, single submitter. Criteria: LabCorp Variant Classification Summary - May 2015. Collection method: clinical testing. Allele origin: germline.

Blueprint Genetics
Classification: Likely benign. Last evaluated: 2024-08-29. Review status: criteria provided, single submitter. Criteria: ACMG Guidelines, 2015. Collection method: clinical testing. Allele origin: germline.

GeneDx
Classification: Likely benign. Last evaluated: 2019-12-05. Review status: criteria provided, single submitter. Criteria: GeneDx Variant Classification Process June 2021. Collection method: clinical testing. Allele origin: germline. Affected: yes.

PreventionGenetics, part of Exact Sciences
Classification: Likely benign for KMT2D-related condition. Last evaluated: 2019-06-24. Review status: no assertion criteria provided. Collection method: clinical testing. Allele origin: germline. Not counted in ClinVar's aggregate classification.
Comment: This variant is classified as likely benign based on ACMG/AMP sequence variant interpretation guidelines (Richards et al. 2015 PMID: 25741868, with internal and published modifications).

NM_003482.4(KMT2D):c.13629C>T (p.Asp4543=)

Gene: KMT2D (lysine methyltransferase 2D; minus strand). Cytogenetic location: 12q13.12.
Variant type: single nucleotide variant.
Coding change: c.13629C>T on transcript NM_003482.4 (MANE Select); coding-DNA position 13629, C replaced by T.
Protein change: p.Asp4543=; no amino-acid change (aspartic acid 4543 retained).
Molecular consequence: synonymous variant.
Genome position (GRCh38, 1-based): chr12:49,030,935, G>A on the plus strand (C>T on the coding strand, the complement: KMT2D is on the minus strand). VCF-style: chr12-49030935-G-A. GRCh37 (hg19) VCF-style: chr12-49424718-G-A.
Identifiers: ClinVar variation 740160 (VCV000740160.14), dbSNP rs748135755, ClinGen allele CA6545961.